The following is an entry in ClinVar:

NM_032447.5(FBN3):c.6043_6044del (p.Ser2015fs)

Gene: FBN3 (fibrillin 3; minus strand). Cytogenetic location: 19p13.2.
Variant type: Microsatellite.
Coding change: c.6043_6044del on transcript NM_032447.5 (MANE Select); coding-DNA positions 6043 to 6044, 2 bases deleted (AG; older notation c.6043_6044delAG).
Protein change: p.Ser2015fs; shifts the reading frame from serine 2015.
Molecular consequence: frameshift variant.
Genome position (GRCh38, 1-based): chr19:8,090,239-8,090,240, CT deleted on the plus strand (AG on the coding strand, the reverse complement: FBN3 is on the minus strand); deleting any 2 consecutive bases within chr19:8,090,239-8,090,242 gives the same sequence; the c. name uses the placement nearest the transcript's 3' end. VCF-style (leftmost placement, unchanged base first): chr19-8090238-ACT-A. GRCh37 (hg19) VCF-style: chr19-8155122-ACT-A.
Other names: c.6043_6044del, p.Ser2015fs (NM_001321431.2); short protein forms S2015fs.
Identifiers: ClinVar variation 2067604 (VCV002067604.4), dbSNP rs1353564633, ClinGen allele CA631703527.
Genomic context (GRCh38, chr19:8,090,238, plus strand): 5'-GGTGGTGTTGAAAGCTTTGGGCACCGAGCACTTCCCAGCCTCAAAACGGGTGAAGCAGAA[ACT>A]CTGCCGTGTGTCTGTGGGGTGGGGGCTCCATTACCCTGATTGAAAGCCGCTGGCAGTGCC-3'

ClinVar aggregate classification (germline): Uncertain significance (1 of 4 stars; one submission).

Submission:

Labcorp Genetics (formerly Invitae), Labcorp
Classification: Uncertain significance. Last evaluated: 2022-06-24. Review status: criteria provided, single submitter. Criteria: Invitae Variant Classification Sherloc (09022015). Collection method: clinical testing. Allele origin: germline.
Comment: In summary, the available evidence is currently insufficient to determine the role of this variant in disease. Therefore, it has been classified as a Variant of Uncertain Significance. This variant has not been reported in the literature in individuals affected with FBN3-related conditions. This variant is present in population databases (no rsID available, gnomAD 0.0009%). This sequence change creates a premature translational stop signal (p.Ser2015Phefs*7) in the FBN3 gene. It is expected to result in an absent or disrupted protein product. However, the current clinical and genetic evidence is not sufficient to establish whether loss-of-function variants in FBN3 cause disease.